The following is an entry in ClinVar:

NM_001267550.2(TTN):c.89181dup (p.Ala29728fs)

Genes: TTN-AS1 (TTN antisense RNA 1; plus strand), TTN (titin; minus strand). Cytogenetic location: 2q31.2.
Variant type: Duplication.
Coding change: c.89181dup on transcript NM_001267550.2 (MANE Select); coding-DNA position 89181, one base duplicated (A; older notation c.89181dupA).
Protein change: p.Ala29728fs; shifts the reading frame from alanine 29728.
Molecular consequence: frameshift variant.
Genome position (GRCh38, 1-based): chr2:178,553,930, T duplicated on the plus strand (A on the coding strand, the reverse complement: TTN is on the minus strand); the first of 3 consecutive T bases (chr2:178,553,930-178,553,932); duplicating any one gives the same sequence. VCF-style (leftmost placement, unchanged base first): chr2-178553929-C-CT. GRCh37 (hg19) VCF-style: chr2-179418656-C-CT.
Other names: c.84258dup, p.Ala28087fs (NM_001256850.1); c.61986dup, p.Ala20663fs (NM_003319.4); c.81477dup, p.Ala27160fs (NM_133378.4); c.62361dup, p.Ala20788fs (NM_133432.3); c.62562dup, p.Ala20855fs (NM_133437.4); short protein forms A20788fs, A29728fs, A28087fs, A20855fs, A27160fs, A20663fs.
Identifiers: ClinVar variation 4783857 (VCV004783857.1).

ClinVar aggregate classification (germline): Likely pathogenic (1 of 4 stars; one submission).

Conditions:
Dilated cardiomyopathy 1G (CMD1G). Identifiers: Orphanet 154, MedGen C1858763, MONDO:0011400, OMIM 604145.
Autosomal recessive limb-girdle muscular dystrophy type 2J (LGMDR10). Also called: Limb-girdle muscular dystrophy, type 2J; MUSCULAR DYSTROPHY, LIMB-GIRDLE, AUTOSOMAL RECESSIVE 10. Identifiers: Orphanet 140922, MedGen C1837342, MONDO:0012127, OMIM 608807.

Submission:

Labcorp Genetics (formerly Invitae), Labcorp
Classification: Likely pathogenic for Dilated cardiomyopathy 1G; Autosomal recessive limb-girdle muscular dystrophy type 2J. Last evaluated: 2025-04-23. Review status: criteria provided, single submitter. Criteria: Invitae Variant Classification Sherloc (09022015). Collection method: clinical testing. Allele origin: germline.
Comment: This sequence change creates a premature translational stop signal (p.Ala29728Serfs*3) in the TTN gene. While this is not anticipated to result in nonsense mediated decay, it is expected to create a truncated TTN protein. This variant is not present in population databases (gnomAD no frequency). This variant has not been reported in the literature in individuals affected with TTN-related conditions. This variant is located in the A band of TTN (PMID: 25589632). Truncating variants in this region are significantly overrepresented in patients affected with dilated cardiomyopathy (PMID: 25589632). Truncating variants in this region have also been reported in individuals affected with autosomal recessive centronuclear myopathy (PMID: 23975875). In summary, the currently available evidence indicates that the variant is pathogenic, but additional data are needed to prove that conclusively. Therefore, this variant has been classified as Likely Pathogenic.

Literature cited by the submitters: PubMed 25589632; PubMed 23975875.